The following is an entry in ClinVar:

ClinVar aggregate classification (germline): Uncertain significance (1 of 4 stars; one submission).

Conditions:
Amelocerebrohypohidrotic syndrome (KTZS). Also called: EPILEPSY AND YELLOW TEETH; EPILEPSY, DEMENTIA, AND AMELOGENESIS IMPERFECTA; KOHLSCHUTTER SYNDROME; Kohlschutter's syndrome. Identifiers: Orphanet 1946, MedGen C0406740, MONDO:0009185, OMIM 226750.

Allele frequency attached by ClinVar (database versions not stated): gnomAD exomes below 0.00001; ExAC 0.00002.
gnomAD v4.1: 1 of 1,607,386 alleles (0.000062%); highest among the groups gnomAD compares: Admixed American, 0.0017%; no homozygotes.

Submission:

Labcorp Genetics (formerly Invitae), Labcorp
Classification: Uncertain significance for Amelocerebrohypohidrotic syndrome. Last evaluated: 2019-08-30. Review status: criteria provided, single submitter. Criteria: Invitae Variant Classification Sherloc (09022015). Collection method: clinical testing. Allele origin: germline.
Comment: This sequence change replaces leucine with histidine at codon 82 of the ROGDI protein (p.Leu82His). The leucine residue is highly conserved and there is a moderate physicochemical difference between leucine and histidine. This variant has not been reported in the literature in individuals with ROGDI-related conditions. This variant is present in population databases (rs773049349, ExAC 0.02%). Algorithms developed to predict the effect of missense changes on protein structure and function (SIFT, PolyPhen-2, Align-GVGD) all suggest that this variant is likely to be disruptive, but these predictions have not been confirmed by published functional studies and their clinical significance is uncertain. In summary, the available evidence is currently insufficient to determine the role of this variant in disease. Therefore, it has been classified as a Variant of Uncertain Significance.

NM_024589.3(ROGDI):c.245T>A (p.Leu82His)

Gene: ROGDI (rogdi atypical leucine zipper; minus strand). Cytogenetic location: 16p13.3.
Variant type: single nucleotide variant.
Coding change: c.245T>A on transcript NM_024589.3 (MANE Select); coding-DNA position 245, T replaced by A.
Protein change: p.Leu82His; replaces leucine 82 with histidine.
Molecular consequence: missense variant.
Genome position (GRCh38, 1-based): chr16:4,801,277, A>T on the plus strand (T>A on the coding strand, the complement: ROGDI is on the minus strand). VCF-style: chr16-4801277-A-T. GRCh37 (hg19) VCF-style: chr16-4851278-A-T.
Other names: short protein forms L82H.
Identifiers: ClinVar variation 934928 (VCV000934928.9), dbSNP rs773049349, ClinGen allele CA7882882.
Genomic context (GRCh38, chr16:4,801,277, plus strand): 5'-ATGCTCTTCCCCATTGGCAGGATGGGAGGGGACAGGGCCGGGGGACTCACCGCCTGGCTG[A>T]GGGCATCCCCCTGCAGAGTCAGCACACCCTTCACCTGGTCTGTGCTGTAACATGTGGCGT-3'
Protein context (NP_078865.1, residues 72-92): KGVLTLQGDA[Leu82His]SQADVNLKMP